The following is an entry in ClinVar:

NM_001367823.1(ARHGEF18):c.4034C>T (p.Thr1345Ile)

Gene: ARHGEF18 (Rho/Rac guanine nucleotide exchange factor 18; plus strand). Cytogenetic location: 19p13.2.
Variant type: single nucleotide variant.
Coding change: c.4034C>T on transcript NM_001367823.1 (MANE Select); coding-DNA position 4034, C replaced by T.
Protein change: p.Thr1345Ile; replaces threonine 1345 with isoleucine.
Molecular consequence: missense variant.
Genome position (GRCh38, 1-based): chr19:7,470,246, C>T. VCF-style: chr19-7470246-C-T. GRCh37 (hg19) VCF-style: chr19-7535132-C-T.
Other names: c.3308C>T, p.Thr1103Ile (NM_001130955.2); c.2996C>T, p.Thr999Ile (NM_001367824.1, NM_015318.4); short protein forms T999I, T1345I, T1103I.
Identifiers: ClinVar variation 3943315 (VCV003943315.3).

ClinVar aggregate classification (germline): Uncertain significance. Review status: criteria provided, multiple submitters, no conflicts (2 of 4 stars). 3 submissions from 3 submitters: Uncertain significance (3). Last evaluated 2025-08-18.

Conditions:
Inborn genetic diseases. Identifiers: MedGen C0950123, MeSH D030342.

gnomAD v4.1: 7 of 1,604,128 alleles (0.00044%); highest among the groups gnomAD compares: South Asian, 0.0066%; no homozygotes.

Submissions (3):

Labcorp Genetics (formerly Invitae), Labcorp
Classification: Uncertain significance. Last evaluated: 2025-08-18. Review status: criteria provided, single submitter. Criteria: Invitae Variant Classification Sherloc (09022015). Collection method: clinical testing. Allele origin: germline.
Comment: This sequence change replaces threonine, which is neutral and polar, with isoleucine, which is neutral and non-polar, at codon 1157 of the ARHGEF18 protein (p.Thr1157Ile). This variant is present in population databases (rs775826946, gnomAD 0.003%). This variant has not been reported in the literature in individuals affected with ARHGEF18-related conditions. ClinVar contains an entry for this variant (Variation ID: 3943315). An algorithm developed to predict the effect of missense changes on protein structure and function (PolyPhen-2) suggests that this variant is likely to be disruptive. In summary, the available evidence is currently insufficient to determine the role of this variant in disease. Therefore, it has been classified as a Variant of Uncertain Significance.

Ambry Genetics
Classification: Uncertain significance for Inborn genetic diseases. Last evaluated: 2025-04-10. Review status: criteria provided, single submitter. Criteria: Ambry Variant Classification Scheme 2023. Collection method: clinical testing. Allele origin: germline.

Blueprint Genetics
Classification: Uncertain significance. Last evaluated: 2023-06-01. Review status: criteria provided, single submitter. Criteria: ACMG Guidelines, 2015. Collection method: clinical testing. Allele origin: germline.